The following is an entry in ClinVar:

ClinVar aggregate classification (germline): Uncertain significance (1 of 4 stars; one submission).

Conditions:
Predisposition to invasive fungal disease due to CARD9 deficiency (IMD103). Also called: CARD9 IMMUNODEFICIENCY; IMMUNODEFICIENCY 103, SUSCEPTIBILITY TO FUNGAL INFECTIONS; Candidiasis, familial, 2, autosomal recessive. Identifiers: Orphanet 457088, MedGen C1859353, MONDO:0008905, OMIM 212050.

Allele frequency attached by ClinVar (database versions not stated): gnomAD 0.00001; gnomAD exomes 0.00001 and 0.00002.
gnomAD v4.1: 10 of 1,537,782 alleles (0.00065%); highest among the groups gnomAD compares: Admixed American, 0.0059%; no homozygotes.

Submission:

Labcorp Genetics (formerly Invitae), Labcorp
Classification: Uncertain significance for Predisposition to invasive fungal disease due to CARD9 deficiency. Last evaluated: 2022-01-06. Review status: criteria provided, single submitter. Criteria: Invitae Variant Classification Sherloc (09022015). Collection method: clinical testing. Allele origin: germline.
Comment: This sequence change replaces aspartic acid, which is acidic and polar, with asparagine, which is neutral and polar, at codon 479 of the CARD9 protein (p.Asp479Asn). This variant is present in population databases (no rsID available, gnomAD 0.008%). This variant has not been reported in the literature in individuals affected with CARD9-related conditions. Algorithms developed to predict the effect of missense changes on protein structure and function output the following: SIFT: "Tolerated"; PolyPhen-2: "Benign"; Align-GVGD: "Class C0". The asparagine amino acid residue is found in multiple mammalian species, which suggests that this missense change does not adversely affect protein function. In summary, the available evidence is currently insufficient to determine the role of this variant in disease. Therefore, it has been classified as a Variant of Uncertain Significance.

NM_052813.5(CARD9):c.1435G>A (p.Asp479Asn)

Gene: CARD9 (caspase recruitment domain family member 9; minus strand). Cytogenetic location: 9q34.3.
Variant type: single nucleotide variant.
Coding change: c.1435G>A on transcript NM_052813.5 (MANE Select); coding-DNA position 1435, G replaced by A.
Protein change: p.Asp479Asn; replaces aspartic acid 479 with asparagine.
Molecular consequence: missense variant.
Genome position (GRCh38, 1-based): chr9:136,364,559, C>T on the plus strand (G>A on the coding strand, the complement: CARD9 is on the minus strand). VCF-style: chr9-136364559-C-T. GRCh37 (hg19) VCF-style: chr9-139259011-C-T.
Other names: c.1435G>A, p.Asp479Asn (NM_052814.4); short protein forms D479N.
Identifiers: ClinVar variation 1387145 (VCV001387145.5), dbSNP rs909815670, ClinGen allele CA201606434.